The following is an entry in ClinVar:

NM_001367721.1(CASK):c.2172T>C (p.Asp724=)

Gene: CASK (calcium/calmodulin dependent serine protein kinase; minus strand). Cytogenetic location: Xp11.4.
Variant type: single nucleotide variant.
Coding change: c.2172T>C on transcript NM_001367721.1 (MANE Select); coding-DNA position 2172, T replaced by C.
Protein change: p.Asp724=; no amino-acid change (aspartic acid 724 retained).
Molecular consequence: synonymous variant.
Genome position (GRCh38, 1-based): chrX:41,534,957, A>G on the plus strand (T>C on the coding strand, the complement: CASK is on the minus strand). VCF-style: chrX-41534957-A-G. GRCh37 (hg19) VCF-style: chrX-41394210-A-G.
Other names: c.2088T>C, p.Asp696= (NM_001126054.3); c.2085T>C, p.Asp695= (NM_001126055.3); c.2154T>C, p.Asp718= (NM_001410745.1); c.2157T>C, p.Asp719= (NM_003688.4).
Identifiers: ClinVar variation 590045 (VCV000590045.20), dbSNP rs199730401, ClinGen allele CA10390064.
Genomic context (GRCh38, chrX:41,534,957, plus strand): 5'-TAAGACTAGTGTTTTCCTCTTGAATGCTGGCAGTTTTACTACTTCTTCATATGTGACAAG[A>G]TCTAATTGATCAAACACTAAAACGCAAAGATTTAGAAGAAAGGTAAATTTGTAGAATGAC-3'
Protein context (NP_001354650.1, residues 714-734): AKHNAVFDQL[Asp724=]LVTYEEVVKL

ClinVar aggregate classification (germline): Benign/Likely benign. Review status: criteria provided, multiple submitters, no conflicts (2 of 4 stars). 4 submissions from 4 submitters: Benign (1); Likely benign (2). 1 of the submissions does not count toward it. Last evaluated 2026-01-13.

Conditions:
CASK-related disorder. Also called: CASK-related disorders; CASK-related condition.
Inborn genetic diseases. Identifiers: MedGen C0950123, MeSH D030342.
Intellectual disability, CASK-related, X-linked. Identifiers: MedGen CN043158.

Allele frequency attached by ClinVar (database versions not stated): gnomAD exomes 0.00009 and 0.00025; gnomAD 0.00013; ExAC 0.00016; TOPMed 0.00016; ESP Exome Variant Server 0.00019.
gnomAD v4.1: 278 of 1,179,376 alleles (0.024%); highest among the groups gnomAD compares: Non-Finnish European, 0.03%; no homozygotes.

Submissions (4):

Labcorp Genetics (formerly Invitae), Labcorp
Classification: Benign for Intellectual disability, CASK-related, X-linked. Last evaluated: 2026-01-13. Review status: criteria provided, single submitter. Criteria: Invitae Variant Classification Sherloc (09022015). Collection method: clinical testing. Allele origin: germline.

Women's Health and Genetics/Laboratory Corporation of America, LabCorp
Classification: Likely benign. Last evaluated: 2025-04-18. Review status: criteria provided, single submitter. Criteria: LabCorp Variant Classification Summary - May 2015. Collection method: clinical testing. Allele origin: germline.
Comment: Variant summary: CASK c.2157T>C (p.Asp719Asp) alters a conserved nucleotide located close to a canonical splice site and therefore could affect mRNA splicing, leading to a significantly altered protein sequence. Consensus agreement among computation tools predict no significant impact on normal splicing. However, these predictions have yet to be confirmed by functional studies. The variant allele was found at a frequency of 9.2e-05 in 173983 control chromosomes, predominantly at a frequency of 0.00021 within the Non-Finnish European subpopulation in the gnomAD database. This frequency is not significantly higher than estimated for a pathogenic variant in CASK causing Syndromic X-Linked Intellectual Disability Najm Type, allowing no conclusion about variant significance. A total of 5 hemizygotes were found in GnomAD v2 database. To our knowledge, no occurrence of c.2157T>C in individuals affected with Syndromic X-Linked Intellectual Disability Najm Type and no experimental evidence demonstrating its impact on protein function have been reported. ClinVar contains an entry for this variant (Variation ID: 590045). Based on the evidence outlined above, the variant was classified as likely benign.

Ambry Genetics
Classification: Likely benign for Inborn genetic diseases. Last evaluated: 2017-01-26. Review status: criteria provided, single submitter. Criteria: Ambry Variant Classification Scheme 2023. Collection method: clinical testing. Allele origin: germline.

PreventionGenetics, part of Exact Sciences
Classification: Likely benign for CASK-related condition. Last evaluated: 2021-05-26. Review status: no assertion criteria provided. Collection method: clinical testing. Allele origin: germline. Not counted in ClinVar's aggregate classification.
Comment: This variant is classified as likely benign based on ACMG/AMP sequence variant interpretation guidelines (Richards et al. 2015 PMID: 25741868, with internal and published modifications).